The following is an entry in ClinVar:

NM_004371.4(COPA):c.2233C>T (p.Arg745Cys)

Gene: COPA (coat protein complex I subunit alpha; minus strand). Cytogenetic location: 1q23.2.
Variant type: single nucleotide variant.
Coding change: c.2233C>T on transcript NM_004371.4 (MANE Select); coding-DNA position 2233, C replaced by T.
Protein change: p.Arg745Cys; replaces arginine 745 with cysteine.
Molecular consequence: missense variant.
Genome position (GRCh38, 1-based): chr1:160,297,373, G>A on the plus strand (C>T on the coding strand, the complement: COPA is on the minus strand). VCF-style: chr1-160297373-G-A. GRCh37 (hg19) VCF-style: chr1-160267163-G-A.
Other names: c.2260C>T (NM_001098398.1); c.2260C>T, p.Arg754Cys (NM_001098398.2); short protein forms R754C, R745C.
Identifiers: ClinVar variation 952472 (VCV000952472.9), dbSNP rs763748181, ClinGen allele CA1197945.

ClinVar aggregate classification (germline): Uncertain significance. Review status: criteria provided, multiple submitters, no conflicts (2 of 4 stars). 2 submissions from 2 submitters: Uncertain significance (2). Last evaluated 2025-09-22.

Conditions:
Inborn genetic diseases. Identifiers: MedGen C0950123, MeSH D030342.
Autoimmune interstitial lung disease-arthritis syndrome. Also called: Autoinflammation and autoimmunity, systemic, with immune dysregulation. Identifiers: Orphanet 444092, MedGen C5975714, MONDO:0014629.

Allele frequency attached by ClinVar (database versions not stated): TOPMed 0.00001; gnomAD exomes 0.00003 and 0.00004; ExAC 0.00004.
gnomAD v4.1: 45 of 1,613,944 alleles (0.0028%); highest among the groups gnomAD compares: Middle Eastern, 0.082%; no homozygotes.

Submissions (3):

Labcorp Genetics (formerly Invitae), Labcorp
Classification: Uncertain significance for Autoimmune interstitial lung disease-arthritis syndrome. Last evaluated: 2025-09-22. Review status: criteria provided, single submitter. Criteria: Invitae Variant Classification Sherloc (09022015). Collection method: clinical testing. Allele origin: germline.
Comment: This sequence change replaces arginine, which is basic and polar, with cysteine, which is neutral and slightly polar, at codon 745 of the COPA protein (p.Arg745Cys). This variant is present in population databases (rs763748181, gnomAD 0.01%). This variant has not been reported in the literature in individuals affected with COPA-related conditions. ClinVar contains an entry for this variant (Variation ID: 952472). Invitae Evidence Modeling of protein sequence and biophysical properties (such as structural, functional, and spatial information, amino acid conservation, physicochemical variation, residue mobility, and thermodynamic stability) has been performed for this missense variant. However, the output from this modeling did not meet the statistical confidence thresholds required to predict the impact of this variant on COPA protein function. In summary, the available evidence is currently insufficient to determine the role of this variant in disease. Therefore, it has been classified as a Variant of Uncertain Significance.

Ambry Genetics
Classification: Uncertain significance for Inborn genetic diseases. Last evaluated: 2025-06-10. Review status: criteria provided, single submitter. Criteria: Ambry Variant Classification Scheme 2023. Collection method: clinical testing. Allele origin: germline.

Dr. Peter K. Rogan Lab, Western University
No classification provided (evidence only). Condition: Gastric cancer. Review status: no classification provided. Collection method: in vitro. Allele origin: not applicable. Functional consequence: retained intron. Not counted in ClinVar's aggregate classification.